The following is an entry in ClinVar:

NM_024675.4(PALB2):c.2922G>C (p.Lys974Asn)

Gene: PALB2 (partner and localizer of BRCA2; minus strand). Cytogenetic location: 16p12.2.
Variant type: single nucleotide variant.
Coding change: c.2922G>C on transcript NM_024675.4 (MANE Select); coding-DNA position 2922, G replaced by C.
Protein change: p.Lys974Asn; replaces lysine 974 with asparagine.
Molecular consequence: missense variant.
Genome position (GRCh38, 1-based): chr16:23,623,043, C>G on the plus strand (G>C on the coding strand, the complement: PALB2 is on the minus strand). VCF-style: chr16-23623043-C-G. GRCh37 (hg19) VCF-style: chr16-23634364-C-G.
Other names: short protein forms K974N.
Identifiers: ClinVar variation 853378 (VCV000853378.10), dbSNP rs730881892, ClinGen allele CA395144187.

ClinVar aggregate classification (germline): Uncertain significance (1 of 4 stars; one submission).

Conditions:
Familial cancer of breast. Also called: Hereditary breast cancer; hereditary breast carcinoma; BREAST CANCER, FAMILIAL. Identifiers: Orphanet 227535, MedGen C0346153, MONDO:0016419, OMIM 114480. Disease mechanism: loss of function.

Submission:

Labcorp Genetics (formerly Invitae), Labcorp
Classification: Uncertain significance for Familial cancer of breast. Last evaluated: 2019-03-14. Review status: criteria provided, single submitter. Criteria: Invitae Variant Classification Sherloc (09022015). Collection method: clinical testing. Allele origin: germline.
Comment: This sequence change replaces lysine with asparagine at codon 974 of the PALB2 protein (p.Lys974Asn). The lysine residue is moderately conserved and there is a moderate physicochemical difference between lysine and asparagine. In summary, the available evidence is currently insufficient to determine the role of this variant in disease. Therefore, it has been classified as a Variant of Uncertain Significance. Algorithms developed to predict the effect of missense changes on protein structure and function are either unavailable or do not agree on the potential impact of this missense change (SIFT: "Tolerated"; PolyPhen-2: "Possibly Damaging"; Align-GVGD: "Class C0"). This variant has not been reported in the literature in individuals with PALB2-related conditions. This variant is not present in population databases (ExAC no frequency).